The following is an entry in ClinVar:

NM_000059.4(BRCA2):c.2117C>G (p.Ala706Gly)

Gene: BRCA2 (BRCA2 DNA repair associated; plus strand). Cytogenetic location: 13q13.1.
Variant type: single nucleotide variant.
Coding change: c.2117C>G on transcript NM_000059.4 (MANE Select); coding-DNA position 2117, C replaced by G.
Protein change: p.Ala706Gly; replaces alanine 706 with glycine.
Molecular consequence: missense variant. On other transcripts: non-coding transcript variant (1), intron variant (2).
Genome position (GRCh38, 1-based): chr13:32,336,472, C>G. VCF-style: chr13-32336472-C-G. GRCh37 (hg19) VCF-style: chr13-32910609-C-G.
Other names: c.2117C>G, p.Ala706Gly (NM_001406719.1, NM_001406720.1, NM_001432077.1); c.1909+3085C>G (NM_001406721.1); c.424+5442C>G (NM_001406722.1); short protein forms A706G.
Identifiers: ClinVar variation 3343140 (VCV003343140.1).
Genomic context (GRCh38, chr13:32,336,472, plus strand): 5'-TTGATTATAAAGAAGCAAAATGTAATAAGGAAAAACTACAGTTATTTATTACCCCAGAAG[C>G]TGATTCTCTGTCATGCCTGCAGGAAGGACAGTGTGAAAATGATCCAAAAAGCAAAAAAGT-3'
Protein context (NP_000050.3, residues 696-716): EKLQLFITPE[Ala706Gly]DSLSCLQEGQ

ClinVar aggregate classification (germline): Uncertain significance (1 of 4 stars; one submission).

Submission:

GeneDx
Classification: Uncertain significance. Last evaluated: 2023-04-24. Review status: criteria provided, single submitter. Criteria: GeneDx Variant Classification Process June 2021. Collection method: clinical testing. Allele origin: germline. Affected: yes.
Comment: Not observed at significant frequency in large population cohorts (gnomAD); In silico analysis supports that this missense variant does not alter protein structure/function; Has not been previously published as pathogenic or benign to our knowledge; Also known as 2345C>G